The following is an entry in ClinVar:

ClinVar aggregate classification (germline): Likely benign (1 of 4 stars; one submission).

gnomAD v4.1: 10 of 1,598,992 alleles (0.00063%); highest among the groups gnomAD compares: East Asian, 0.0022%; no homozygotes.

Submission:

CeGaT Center for Human Genetics Tuebingen
Classification: Likely benign. Last evaluated: 2026-05-01. Review status: criteria provided, single submitter. Criteria: CeGaT Center For Human Genetics Tuebingen Variant Classification Criteria Version 2. Collection method: clinical testing. Allele origin: germline. Affected: yes. Observed: 1 variant allele.
Comment: KMT5B: BP4, BP7

NM_017635.5(KMT5B):c.1233G>A (p.Thr411=)

Gene: KMT5B (lysine methyltransferase 5B; minus strand). Cytogenetic location: 11q13.2.
Variant type: single nucleotide variant.
Coding change: c.1233G>A on transcript NM_017635.5 (MANE Select); coding-DNA position 1233, G replaced by A.
Protein change: p.Thr411=; no amino-acid change (threonine 411 retained).
Molecular consequence: synonymous variant.
Genome position (GRCh38, 1-based): chr11:68,159,113, C>T on the plus strand (G>A on the coding strand, the complement: KMT5B is on the minus strand). VCF-style: chr11-68159113-C-T. GRCh37 (hg19) VCF-style: chr11-67926580-C-T.
Other names: c.717G>A, p.Thr239= (NM_001300907.1, NM_001369428.1, NM_001369429.1 and 4 more transcripts); c.513G>A, p.Thr171= (NM_001300908.2); c.1233G>A, p.Thr411= (NM_001369426.1).
Identifiers: ClinVar variation 4873200 (VCV004873200.2).